The following is an entry in ClinVar:

ClinVar aggregate classification (germline): Uncertain significance (1 of 4 stars; one submission).

gnomAD v4.1: 1 of 1,614,054 alleles (0.000062%); highest among the groups gnomAD compares: Non-Finnish European, 0.000085%; no homozygotes.

Submission:

Labcorp Genetics (formerly Invitae), Labcorp
Classification: Uncertain significance. Last evaluated: 2023-05-15. Review status: criteria provided, single submitter. Criteria: Invitae Variant Classification Sherloc (09022015). Collection method: clinical testing. Allele origin: germline.
Comment: This sequence change replaces glycine, which is neutral and non-polar, with valine, which is neutral and non-polar, at codon 1681 of the LTBP2 protein (p.Gly1681Val). This variant is not present in population databases (gnomAD no frequency). This variant has not been reported in the literature in individuals affected with LTBP2-related conditions. ClinVar contains an entry for this variant (Variation ID: 2063167). An algorithm developed to predict the effect of missense changes on protein structure and function (PolyPhen-2) suggests that this variant is likely to be disruptive. In summary, the available evidence is currently insufficient to determine the role of this variant in disease. Therefore, it has been classified as a Variant of Uncertain Significance.

NM_000428.3(LTBP2):c.5042G>T (p.Gly1681Val)

Gene: LTBP2 (latent transforming growth factor beta binding protein 2; minus strand). Cytogenetic location: 14q24.3.
Variant type: single nucleotide variant.
Coding change: c.5042G>T on transcript NM_000428.3 (MANE Select); coding-DNA position 5042, G replaced by T.
Protein change: p.Gly1681Val; replaces glycine 1681 with valine.
Molecular consequence: missense variant.
Genome position (GRCh38, 1-based): chr14:74,502,781, C>A on the plus strand (G>T on the coding strand, the complement: LTBP2 is on the minus strand). VCF-style: chr14-74502781-C-A. GRCh37 (hg19) VCF-style: chr14-74969484-C-A.
Other names: short protein forms G1681V.
Identifiers: ClinVar variation 2063167 (VCV002063167.4), dbSNP rs377006266, ClinGen allele CA390383207.
Genomic context (GRCh38, chr14:74,502,781, plus strand): 5'-CGGTCCGCTGAGTGACCGGCTGTGTTGGGGAAGGCAGGCTCAGGGACGGTGTCCTCGGGG[C>A]CCAGGTAGTTGTAGAAGGGGGCCCCATCTGGGCCATAGATGCTGTAGTGCAGGTCATCGG-3'
Protein context (NP_000419.1, residues 1671-1691): PDGAPFYNYL[Gly1681Val]PEDTVPEPAF